The following is an entry in ClinVar:

ClinVar aggregate classification (germline): Uncertain significance (1 of 4 stars; one submission).

Conditions:
Hereditary cancer-predisposing syndrome. Also called: Neoplastic Syndromes, Hereditary; Tumor predisposition; Hereditary neoplastic syndrome; Hereditary Cancer Syndrome. Identifiers: Orphanet 140162, MedGen C0027672, MeSH D009386, MONDO:0015356.

Submission:

Ambry Genetics
Classification: Uncertain significance for Hereditary cancer-predisposing syndrome. Last evaluated: 2024-06-21. Review status: criteria provided, single submitter. Criteria: Ambry Variant Classification Scheme 2023. Collection method: clinical testing. Allele origin: germline.
Comment: The p.Q212H variant (also known as c.636G>C), located in coding exon 5 of the SUFU gene, results from a G to C substitution at nucleotide position 636. The glutamine at codon 212 is replaced by histidine, an amino acid with highly similar properties. This amino acid position is conserved. In addition, the in silico prediction for this alteration is inconclusive. Based on the available evidence, the clinical significance of this variant remains unclear.

NM_016169.4(SUFU):c.636G>C (p.Gln212His)

Gene: SUFU (SUFU negative regulator of hedgehog signaling; plus strand). Cytogenetic location: 10q24.32.
Variant type: single nucleotide variant.
Coding change: c.636G>C on transcript NM_016169.4 (MANE Select); coding-DNA position 636, G replaced by C.
Protein change: p.Gln212His; replaces glutamine 212 with histidine.
Molecular consequence: missense variant.
Genome position (GRCh38, 1-based): chr10:102,593,674, G>C. VCF-style: chr10-102593674-G-C. GRCh37 (hg19) VCF-style: chr10-104353431-G-C.
Other names: c.636G>C, p.Gln212His (NM_001178133.2); short protein forms Q212H.
Identifiers: ClinVar variation 3323557 (VCV003323557.1).